The following is an entry in ClinVar:

ClinVar aggregate classification (germline): Uncertain significance. Review status: criteria provided, multiple submitters, no conflicts (2 of 4 stars). 2 submissions from 2 submitters: Uncertain significance (2). Last evaluated 2025-02-23.

Conditions:
Inborn genetic diseases. Identifiers: MedGen C0950123, MeSH D030342.
Spinocerebellar ataxia, autosomal recessive, with axonal neuropathy 2 (SCAN2). Also called: Ataxia with Oculomotor Apraxia; Ataxia with Oculomotor Apraxia Type 2; ATAXIA-OCULOMOTOR APRAXIA 2; Ataxia-ocular apraxia-2. Identifiers: Orphanet 64753, MedGen C1853761, MONDO:0018996, OMIM 606002.
Amyotrophic lateral sclerosis type 4 (ALS4). Also called: AMYOTROPHIC LATERAL SCLEROSIS 4, JUVENILE; NEURONOPATHY, DISTAL HEREDITARY MOTOR, WITH PYRAMIDAL FEATURES. Identifiers: Orphanet 357043, MedGen C1865409, MONDO:0011223, OMIM 602433.

gnomAD v4.1: 4 of 1,610,748 alleles (0.00025%); highest among the groups gnomAD compares: East Asian, 0.0045%; no homozygotes.

Submissions (2):

Labcorp Genetics (formerly Invitae), Labcorp
Classification: Uncertain significance for Amyotrophic lateral sclerosis type 4; Spinocerebellar ataxia, autosomal recessive, with axonal neuropathy 2. Last evaluated: 2025-02-23. Review status: criteria provided, single submitter. Criteria: Invitae Variant Classification Sherloc (09022015). Collection method: clinical testing. Allele origin: germline.
Comment: This sequence change replaces isoleucine, which is neutral and non-polar, with valine, which is neutral and non-polar, at codon 820 of the SETX protein (p.Ile820Val). This variant is not present in population databases (gnomAD no frequency). This variant has not been reported in the literature in individuals affected with SETX-related conditions. ClinVar contains an entry for this variant (Variation ID: 3440301). Invitae Evidence Modeling of protein sequence and biophysical properties (such as structural, functional, and spatial information, amino acid conservation, physicochemical variation, residue mobility, and thermodynamic stability) indicates that this missense variant is not expected to disrupt SETX protein function with a negative predictive value of 95%. In summary, the available evidence is currently insufficient to determine the role of this variant in disease. Therefore, it has been classified as a Variant of Uncertain Significance.

Ambry Genetics
Classification: Uncertain significance for Inborn genetic diseases. Last evaluated: 2024-11-23. Review status: criteria provided, single submitter. Criteria: Ambry Variant Classification Scheme 2023. Collection method: clinical testing. Allele origin: germline.

NM_015046.7(SETX):c.2458A>G (p.Ile820Val)

Gene: SETX (senataxin; minus strand). Cytogenetic location: 9q34.13.
Variant type: single nucleotide variant.
Coding change: c.2458A>G on transcript NM_015046.7 (MANE Select); coding-DNA position 2458, A replaced by G.
Protein change: p.Ile820Val; replaces isoleucine 820 with valine.
Molecular consequence: missense variant.
Genome position (GRCh38, 1-based): chr9:132,329,140, T>C on the plus strand (A>G on the coding strand, the complement: SETX is on the minus strand). VCF-style: chr9-132329140-T-C. GRCh37 (hg19) VCF-style: chr9-135204527-T-C.
Other names: c.2458A>G, p.Ile820Val (NM_001351527.2, NM_001351528.2); short protein forms I820V.
Identifiers: ClinVar variation 3440301 (VCV003440301.2).